The following is an entry in ClinVar:

NM_006196.4(PCBP1):c.625dup (p.His209fs)

Gene: PCBP1 (poly(rC) binding protein 1; plus strand). Cytogenetic location: 2p13.3.
Variant type: Duplication.
Coding change: c.625dup on transcript NM_006196.4 (MANE Select); coding-DNA position 625, one base duplicated (C; older notation c.625dupC).
Protein change: p.His209fs; shifts the reading frame from histidine 209.
Molecular consequence: frameshift variant.
Genome position (GRCh38, 1-based): chr2:70,088,368, C duplicated; the last of 5 consecutive C bases (chr2:70,088,364-70,088,368); duplicating any one gives the same sequence. VCF-style (leftmost placement, unchanged base first): chr2-70088363-A-AC. GRCh37 (hg19) VCF-style: chr2-70315495-A-AC.
Other names: short protein forms H209fs.
Identifiers: ClinVar variation 4852560 (VCV004852560.1).

ClinVar aggregate classification (germline): Pathogenic (1 of 4 stars; one submission).

Conditions:
Neurodevelopmental disorder. Identifiers: MedGen C1535926, MeSH D065886, MONDO:0700092.

Submission:

Laboratory of Molecular Genetics (Pr. Bezieau's lab), CHU de Nantes
Classification: Pathogenic for Neurodevelopmental disorder. Last evaluated: 2026-05-27. Review status: criteria provided, single submitter. Criteria: ACMG Guidelines, 2015. Collection method: clinical testing. Allele origin: de novo. Inheritance: Autosomal dominant inheritance. Affected: yes. Observed: 1 variant allele, 1 heterozygote.
Comment: Evidence for loss of function/haploinsufficiency being pathogenic in PMID: 41415500. ACMG criteria: PVS1, PS2, PM2. Protein change: p.(His209Profs*5).

Literature cited by the submitters: PubMed 41415500.